The following is an entry in ClinVar:

ClinVar aggregate classification (germline): Uncertain significance. Review status: criteria provided, multiple submitters, no conflicts (2 of 4 stars). 2 submissions from 2 submitters: Uncertain significance (2). Last evaluated 2023-10-05.

Conditions:
Chédiak-Higashi syndrome (CHS). Also called: Chediak-Higashi Syndrome. Identifiers: Orphanet 167, MedGen C0007965, MONDO:0008963, OMIM 214500.
Inborn genetic diseases. Identifiers: MedGen C0950123, MeSH D030342.

Allele frequency attached by ClinVar (database versions not stated): ExAC 0.00003.

Submissions (2):

Labcorp Genetics (formerly Invitae), Labcorp
Classification: Uncertain significance for Chédiak-Higashi syndrome. Last evaluated: 2023-10-05. Review status: criteria provided, single submitter. Criteria: Invitae Variant Classification Sherloc (09022015). Collection method: clinical testing. Allele origin: germline.
Comment: This sequence change replaces methionine, which is neutral and non-polar, with leucine, which is neutral and non-polar, at codon 1860 of the LYST protein (p.Met1860Leu). This variant is present in population databases (rs368738466, gnomAD 0.01%). This variant has not been reported in the literature in individuals affected with LYST-related conditions. ClinVar contains an entry for this variant (Variation ID: 2331526). Advanced modeling of protein sequence and biophysical properties (such as structural, functional, and spatial information, amino acid conservation, physicochemical variation, residue mobility, and thermodynamic stability) performed at Invitae indicates that this missense variant is not expected to disrupt LYST protein function. In summary, the available evidence is currently insufficient to determine the role of this variant in disease. Therefore, it has been classified as a Variant of Uncertain Significance.

Ambry Genetics
Classification: Uncertain significance for Inborn genetic diseases. Last evaluated: 2022-12-01. Review status: criteria provided, single submitter. Criteria: Ambry Variant Classification Scheme 2023. Collection method: clinical testing. Allele origin: germline.

NM_000081.4(LYST):c.5578A>C (p.Met1860Leu)

Gene: LYST (lysosomal trafficking regulator; minus strand). Cytogenetic location: 1q42.3.
Variant type: single nucleotide variant.
Coding change: c.5578A>C on transcript NM_000081.4 (MANE Select); coding-DNA position 5578, A replaced by C.
Protein change: p.Met1860Leu; replaces methionine 1860 with leucine.
Molecular consequence: missense variant.
Genome position (GRCh38, 1-based): chr1:235,774,969, T>G on the plus strand (A>C on the coding strand, the complement: LYST is on the minus strand). VCF-style: chr1-235774969-T-G. GRCh37 (hg19) VCF-style: chr1-235938269-T-G.
Other names: c.5578A>C, p.Met1860Leu (NM_001301365.1); short protein forms M1860L.
Identifiers: ClinVar variation 2331526 (VCV002331526.5), dbSNP rs368738466, ClinGen allele CA1466596.